The following is an entry in ClinVar:

NM_005618.4(DLL1):c.1397C>T (p.Ser466Phe)

Gene: DLL1 (delta like canonical Notch ligand 1; minus strand). Cytogenetic location: 6q27.
Variant type: single nucleotide variant.
Coding change: c.1397C>T on transcript NM_005618.4 (MANE Select); coding-DNA position 1397, C replaced by T.
Protein change: p.Ser466Phe; replaces serine 466 with phenylalanine.
Molecular consequence: missense variant.
Genome position (GRCh38, 1-based): chr6:170,283,882, G>A on the plus strand (C>T on the coding strand, the complement: DLL1 is on the minus strand). VCF-style: chr6-170283882-G-A. GRCh37 (hg19) VCF-style: chr6-170592970-G-A.
Other names: short protein forms S466F.
Identifiers: ClinVar variation 2499305 (VCV002499305.1), dbSNP rs2483347663, ClinGen allele CA366507355.
Genomic context (GRCh38, chr6:170,283,882, plus strand): 5'-TCGCACCTGCTGACGGGGGCACTGCAGTTCCTGCCCGTGTAGCCAGGCGGGCAGGTGCAG[G>A]AGAAGTCGTTCACGCCATCCCGGCAGGTGCCCCCGTTGGCGCACGGGGAGGAGGCGCAGT-3'
Protein context (NP_005609.3, residues 456-476): GTCRDGVNDF[Ser466Phe]CTCPPGYTGR

ClinVar aggregate classification (germline): Uncertain significance (1 of 4 stars; one submission).

Submission:

GeneDx
Classification: Uncertain significance. Last evaluated: 2022-10-11. Review status: criteria provided, single submitter. Criteria: GeneDx Variant Classification Process June 2021. Collection method: clinical testing. Allele origin: germline. Affected: yes.
Comment: Not observed at significant frequency in large population cohorts (gnomAD); In silico analysis supports that this missense variant has a deleterious effect on protein structure/function; Has not been previously published as pathogenic or benign to our knowledge